The following is an entry in ClinVar:

ClinVar aggregate classification (germline): Benign (1 of 4 stars; one submission).

Allele frequency attached by ClinVar (database versions not stated): 1000 Genomes Project 30x 0.44925; 1000 Genomes Project 0.45907; TOPMed 0.45970; gnomAD 0.48112 and 0.48476; gnomAD exomes 0.55323.
gnomAD v4.1: 339,221 of 632,774 alleles (54%); highest among the groups gnomAD compares: Non-Finnish European, 58%; 95,119 homozygotes.

Submission:

GeneDx
Classification: Benign. Last evaluated: 2018-06-14. Review status: criteria provided, single submitter. Criteria: GeneDx Variant Classification (06012015). Collection method: clinical testing. Allele origin: germline. Affected: yes.
Comment: This variant is considered likely benign or benign based on one or more of the following criteria: it is a conservative change, it occurs at a poorly conserved position in the protein, it is predicted to be benign by multiple in silico algorithms, and/or has population frequency not consistent with disease.

NM_002397.5(MEF2C):c.403-139A>G

Gene: MEF2C (myocyte enhancer factor 2C; minus strand). Cytogenetic location: 5q14.3.
Variant type: single nucleotide variant.
Coding change: c.403-139A>G on transcript NM_002397.5 (MANE Select); 139 bases into the intron before coding-DNA position 403, A replaced by G.
Molecular consequence: intron variant.
Genome position (GRCh38, 1-based): chr5:88,752,182, T>C on the plus strand (A>G on the coding strand, the complement: MEF2C is on the minus strand). VCF-style: chr5-88752182-T-C. GRCh37 (hg19) VCF-style: chr5-88047999-T-C.
Other names: c.403-139A>G (NM_001364329.2, NM_001364330.2, NM_001364333.2 and 18 more transcripts); c.259-139A>G (NM_001364344.2, NM_001364354.2, NM_001364332.2 and 3 more transcripts); c.25-139A>G (NM_001364353.2, NM_001364356.2); c.397-139A>G (NM_001131005.2, NM_001364352.2, NM_001364343.2); c.457-139A>G (NM_001193347.1, NM_001364338.2); c.-24-139A>G (NM_001364357.2).
Identifiers: ClinVar variation 683156 (VCV000683156.1), dbSNP rs2247885, ClinGen allele CA12057017.